The following is an entry in ClinVar:

NM_018124.4(RFWD3):c.287C>G (p.Pro96Arg)

Gene: RFWD3 (ring finger and WD repeat domain 3; minus strand). Cytogenetic location: 16q23.1.
Variant type: single nucleotide variant.
Coding change: c.287C>G on transcript NM_018124.4 (MANE Select); coding-DNA position 287, C replaced by G.
Protein change: p.Pro96Arg; replaces proline 96 with arginine.
Molecular consequence: missense variant. On other transcripts: intron variant (1), 5 prime UTR variant (4).
Genome position (GRCh38, 1-based): chr16:74,661,163, G>C on the plus strand (C>G on the coding strand, the complement: RFWD3 is on the minus strand). VCF-style: chr16-74661163-G-C. GRCh37 (hg19) VCF-style: chr16-74695061-G-C.
Other names: c.-317+3461C>G (NM_001370540.1); c.287C>G, p.Pro96Arg (NM_001370534.1, NM_001370535.1, NM_001370536.1); c.-722C>G (NM_001370537.1); c.-345C>G (NM_001370539.1); c.-599C>G (NM_001370542.1); c.-477C>G (NM_001370543.1); short protein forms P96R.
Identifiers: ClinVar variation 4779169 (VCV004779169.1).
Genomic context (GRCh38, chr16:74,661,163, plus strand): 5'-GAAGATGCTGGGATGGTGTGATTACCATCAGATCCCTGCCTATGTTGTTCTGAAGTTCTT[G>C]GATTGATGTTCTCCACAGTGTCTTCTCCCAAGACCTCCACTTCTGTCAGGTCAACAGACA-3'
Protein context (NP_060594.3, residues 86-106): LGEDTVENIN[Pro96Arg]RTSEQHRQGS

ClinVar aggregate classification (germline): Uncertain significance (1 of 4 stars; one submission).

gnomAD v4.1: 14 of 1,614,164 alleles (0.00087%); highest among the groups gnomAD compares: South Asian, 0.0088%; no homozygotes.

Submission:

Labcorp Genetics (formerly Invitae), Labcorp
Classification: Uncertain significance. Last evaluated: 2025-08-08. Review status: criteria provided, single submitter. Criteria: Invitae Variant Classification Sherloc (09022015). Collection method: clinical testing. Allele origin: germline.
Comment: This sequence change replaces proline, which is neutral and non-polar, with arginine, which is basic and polar, at codon 96 of the RFWD3 protein (p.Pro96Arg). This variant is present in population databases (rs529414913, gnomAD 0.02%). This variant has not been reported in the literature in individuals affected with RFWD3-related conditions. An algorithm developed to predict the effect of missense changes on protein structure and function (PolyPhen-2) suggests that this variant is likely to be disruptive. In summary, the available evidence is currently insufficient to determine the role of this variant in disease. Therefore, it has been classified as a Variant of Uncertain Significance.